The following is an entry in ClinVar:

NM_004415.4(DSP):c.8438T>C (p.Leu2813Ser)

Gene: DSP (desmoplakin; plus strand). Cytogenetic location: 6p24.3.
Variant type: single nucleotide variant.
Coding change: c.8438T>C on transcript NM_004415.4 (MANE Select); coding-DNA position 8438, T replaced by C.
Protein change: p.Leu2813Ser; replaces leucine 2813 with serine.
Molecular consequence: missense variant.
Genome position (GRCh38, 1-based): chr6:7,585,700, T>C. VCF-style: chr6-7585700-T-C. GRCh37 (hg19) VCF-style: chr6-7585933-T-C.
Other names: c.6641T>C, p.Leu2214Ser (NM_001008844.3); c.7109T>C, p.Leu2370Ser (NM_001319034.2); short protein forms L2214S, L2370S, L2813S.
Identifiers: ClinVar variation 2945289 (VCV002945289.3), dbSNP rs2533951768, ClinGen allele CA362695146.

ClinVar aggregate classification (germline): Uncertain significance (1 of 4 stars; one submission).

Conditions:
Arrhythmogenic cardiomyopathy with wooly hair and keratoderma. Also called: Dilated cardiomyopathy with woolly hair and keratoderma; PALMOPLANTAR KERATODERMA WITH LEFT VENTRICULAR CARDIOMYOPATHY AND WOOLLY HAIR; Carvajal syndrome; Arrhythmogenic cardiomyopathy with woolly hair and keratoderma. Identifiers: Orphanet 65282, MedGen C1854063, MONDO:0011581, OMIM 605676.
Arrhythmogenic right ventricular dysplasia 8 (ARVD8). Also called: Arrhythmogenic Right Ventricular Dysplasia/Cardiomyopathy 8; ARRHYTHMOGENIC RIGHT VENTRICULAR DYSPLASIA, FAMILIAL, 8; ARRHYTHMOGENIC RIGHT VENTRICULAR CARDIOMYOPATHY 8. Identifiers: MedGen C1843896, MONDO:0011831, OMIM 607450.

Submission:

Labcorp Genetics (formerly Invitae), Labcorp
Classification: Uncertain significance for Arrhythmogenic cardiomyopathy with wooly hair and keratoderma; Arrhythmogenic right ventricular dysplasia 8. Last evaluated: 2023-06-16. Review status: criteria provided, single submitter. Criteria: Invitae Variant Classification Sherloc (09022015). Collection method: clinical testing. Allele origin: germline.
Comment: This sequence change replaces leucine, which is neutral and non-polar, with serine, which is neutral and polar, at codon 2813 of the DSP protein (p.Leu2813Ser). This variant is not present in population databases (gnomAD no frequency). This missense change has been observed in individual(s) with autosomal dominant DSP-related conditions (PMID: 33460606). An algorithm developed to predict the effect of missense changes on protein structure and function (PolyPhen-2) suggests that this variant is likely to be disruptive. In summary, the available evidence is currently insufficient to determine the role of this variant in disease. Therefore, it has been classified as a Variant of Uncertain Significance.

Literature cited by the submitters: PubMed 33460606.